The following is an entry in ClinVar:

NM_000018.4(ACADVL):c.1145A>G (p.Lys382Arg)

Gene: ACADVL (acyl-CoA dehydrogenase very long chain; plus strand). Cytogenetic location: 17p13.1.
Variant type: single nucleotide variant.
Coding change: c.1145A>G on transcript NM_000018.4 (MANE Select); coding-DNA position 1145, A replaced by G.
Protein change: p.Lys382Arg; replaces lysine 382 with arginine.
Molecular consequence: missense variant.
Genome position (GRCh38, 1-based): chr17:7,223,200, A>G. VCF-style: chr17-7223200-A-G. GRCh37 (hg19) VCF-style: chr17-7126519-A-G.
Other names: c.1079A>G, p.Lys360Arg (NM_001033859.3); c.1214A>G, p.Lys405Arg (NM_001270447.2); c.917A>G, p.Lys306Arg (NM_001270448.2); short protein forms K306R, K360R, K382R, K405R.
Identifiers: ClinVar variation 4537338 (VCV004537338.1).
Genomic context (GRCh38, chr17:7,223,200, plus strand): 5'-ATGCCACTAATCGTACCCAGTTTGGGGAGAAAATTCACAACTTTGGGCTGATCCAGGAGA[A>G]GCTGGCACGGATGGTTATGCTGCAGTATGTAACTGAGGTGAGGGCCTCCCAAGCCCCTCT-3'
Protein context (NP_000009.1, residues 372-392): KIHNFGLIQE[Lys382Arg]LARMVMLQYV

ClinVar aggregate classification (germline): Uncertain significance (1 of 4 stars; one submission).

Submission:

Women's Health and Genetics/Laboratory Corporation of America, LabCorp
Classification: Uncertain significance. Last evaluated: 2025-11-18. Review status: criteria provided, single submitter. Criteria: LabCorp Variant Classification Summary - May 2015. Collection method: clinical testing. Allele origin: germline.
Comment: Variant summary: ACADVL c.1145A>G (p.Lys382Arg) results in a conservative amino acid change in the encoded protein sequence. Algorithms developed to predict the effect of missense changes on protein structure and function are either unavailable or do not agree on the potential impact of this missense change. The variant was absent in 251490 control chromosomes. To our knowledge, no occurrence of c.1145A>G in individuals affected with ACADVL-related conditions and no experimental evidence demonstrating its impact on protein function have been reported. At least 2 different variants affecting the same codon have been determined to be likely pathogenic/pathogenic by our lab (c.1146G>C, p.Lys382Asn and c.1144A>C, p.Lys382Gln), supporting the critical relevance of codon 382 to ACADVL protein function. No submitters have cited clinical-significance assessments for this variant to ClinVar. Based on the evidence outlined above, the variant was classified as VUS-possibly pathogenic.